The following is an entry in ClinVar:

NM_022552.5(DNMT3A):c.1303G>T (p.Val435Leu)

Gene: DNMT3A (DNA methyltransferase 3 alpha; minus strand). Cytogenetic location: 2p23.3.
Variant type: single nucleotide variant.
Coding change: c.1303G>T on transcript NM_022552.5 (MANE Select); coding-DNA position 1303, G replaced by T.
Protein change: p.Val435Leu; replaces valine 435 with leucine.
Molecular consequence: missense variant. On other transcripts: non-coding transcript variant (1).
Genome position (GRCh38, 1-based): chr2:25,246,286, C>A on the plus strand (G>T on the coding strand, the complement: DNMT3A is on the minus strand). VCF-style: chr2-25246286-C-A. GRCh37 (hg19) VCF-style: chr2-25469155-C-A.
Other names: c.847G>T, p.Val283Leu (NM_001320893.1); c.634G>T, p.Val212Leu (NM_001375819.1); c.736G>T, p.Val246Leu (NM_153759.3); c.1303G>T, p.Val435Leu (NM_175629.2); short protein forms V283L, V212L, V246L, V435L.
Identifiers: ClinVar variation 3841747 (VCV003841747.1).

ClinVar aggregate classification (germline): Uncertain significance (1 of 4 stars; one submission).

Conditions:
Inborn genetic diseases. Identifiers: MedGen C0950123, MeSH D030342.

Submission:

Ambry Genetics
Classification: Uncertain significance for Inborn genetic diseases. Last evaluated: 2024-12-21. Review status: criteria provided, single submitter. Criteria: Ambry Variant Classification Scheme 2023. Collection method: clinical testing. Allele origin: germline.
Comment: The p.V435L variant (also known as c.1303G>T), located in coding exon 10 of the DNMT3A gene, results from a G to T substitution at nucleotide position 1303. The valine at codon 435 is replaced by leucine, an amino acid with highly similar properties. This amino acid position is conserved. In addition, the in silico prediction for this alteration is inconclusive. Based on the available evidence, the clinical significance of this variant remains unclear.